The following is an entry in ClinVar:

NM_000222.3(KIT):c.2659T>G (p.Phe887Val)

Gene: KIT (KIT proto-oncogene, receptor tyrosine kinase; plus strand). Cytogenetic location: 4q12.
Variant type: single nucleotide variant.
Coding change: c.2659T>G on transcript NM_000222.3 (MANE Select); coding-DNA position 2659, T replaced by G.
Protein change: p.Phe887Val; replaces phenylalanine 887 with valine.
Molecular consequence: missense variant.
Genome position (GRCh38, 1-based): chr4:54,736,783, T>G. VCF-style: chr4-54736783-T-G. GRCh37 (hg19) VCF-style: chr4-55602949-T-G.
Other names: c.2647T>G, p.Phe883Val (NM_001093772.2, NM_001385292.1); c.2662T>G, p.Phe888Val (NM_001385284.1); c.2656T>G, p.Phe886Val (NM_001385285.1); c.2644T>G, p.Phe882Val (NM_001385286.1); c.2650T>G, p.Phe884Val (NM_001385288.1); c.2659T>G, p.Phe887Val (NM_001385290.1); short protein forms F884V, F886V, F882V, F883V, F888V, F887V.
Identifiers: ClinVar variation 4825604 (VCV004825604.1).
Genomic context (GRCh38, chr4:54,736,783, plus strand): 5'-AGCAGCCCCTATCCTGGAATGCCGGTCGATTCTAAGTTCTACAAGATGATCAAGGAAGGC[T>G]TCCGGATGCTCAGCCCTGAACACGCACCTGCTGAAATGTAAGAGCCAAAAAATTTTTCCT-3'
Protein context (NP_000213.1, residues 877-897): SKFYKMIKEG[Phe887Val]RMLSPEHAPA

ClinVar aggregate classification (germline): Uncertain significance (1 of 4 stars; one submission).

Conditions:
Hereditary cancer-predisposing syndrome. Also called: Neoplastic Syndromes, Hereditary; Tumor predisposition; Hereditary Cancer Syndrome; Hereditary neoplastic syndrome. Identifiers: Orphanet 140162, MedGen C0027672, MeSH D009386, MONDO:0015356.

Submission:

Ambry Genetics
Classification: Uncertain significance for Hereditary cancer-predisposing syndrome. Last evaluated: 2026-02-17. Review status: criteria provided, single submitter. Criteria: Ambry Variant Classification Scheme 2023. Collection method: clinical testing. Allele origin: germline.
Comment: The p.F887V variant (also known as c.2659T>G), located in coding exon 19 of the KIT gene, results from a T to G substitution at nucleotide position 2659. The phenylalanine at codon 887 is replaced by valine, an amino acid with highly similar properties. This amino acid position is well conserved in available vertebrate species. In addition, the in silico prediction for this alteration is inconclusive. Based on the available evidence, the clinical significance of this variant remains unclear.